The following is an entry in ClinVar:

NM_002734.5(PRKAR1A):c.121G>A (p.Ala41Thr)

Gene: PRKAR1A (protein kinase cAMP-dependent type I regulatory subunit alpha; plus strand). Cytogenetic location: 17q24.2.
Variant type: single nucleotide variant.
Coding change: c.121G>A on transcript NM_002734.5 (MANE Select); coding-DNA position 121, G replaced by A.
Protein change: p.Ala41Thr; replaces alanine 41 with threonine.
Molecular consequence: missense variant.
Genome position (GRCh38, 1-based): chr17:68,515,520, G>A. VCF-style: chr17-68515520-G-A. GRCh37 (hg19) VCF-style: chr17-66511661-G-A.
Other names: c.121G>A, p.Ala41Thr (NM_001276289.2, NM_001276290.1, NM_001278433.2 and 4 more transcripts); short protein forms A41T.
Identifiers: ClinVar variation 536893 (VCV000536893.15), dbSNP rs1356757839, ClinGen allele CA400752011.

ClinVar aggregate classification (germline): Uncertain significance. Review status: criteria provided, multiple submitters, no conflicts (2 of 4 stars). 2 submissions from 2 submitters: Uncertain significance (2). Last evaluated 2024-09-04.

Conditions:
Carney complex, type 1 (CNC1). Also called: CARNEY MYXOMA-ENDOCRINE COMPLEX; CARNEY COMPLEX, TYPE I. Identifiers: Orphanet 1359, MedGen C2607929, MONDO:0008057, OMIM 160980.
Hereditary cancer-predisposing syndrome. Also called: Tumor predisposition; Hereditary Cancer Syndrome; Hereditary neoplastic syndrome; Neoplastic Syndromes, Hereditary. Identifiers: Orphanet 140162, MedGen C0027672, MeSH D009386, MONDO:0015356.

Allele frequency attached by ClinVar (database versions not stated): TOPMed below 0.00001; gnomAD 0.00001; gnomAD exomes 0.00001.

Submissions (2):

Labcorp Genetics (formerly Invitae), Labcorp
Classification: Uncertain significance for Carney complex, type 1. Last evaluated: 2024-09-04. Review status: criteria provided, single submitter. Criteria: Invitae Variant Classification Sherloc (09022015). Collection method: clinical testing. Allele origin: germline.
Comment: This sequence change replaces alanine, which is neutral and non-polar, with threonine, which is neutral and polar, at codon 41 of the PRKAR1A protein (p.Ala41Thr). This variant is present in population databases (no rsID available, gnomAD 0.01%). This variant has not been reported in the literature in individuals affected with PRKAR1A-related conditions. ClinVar contains an entry for this variant (Variation ID: 536893). An algorithm developed to predict the effect of missense changes on protein structure and function (PolyPhen-2) suggests that this variant is likely to be tolerated. In summary, the available evidence is currently insufficient to determine the role of this variant in disease. Therefore, it has been classified as a Variant of Uncertain Significance.

Ambry Genetics
Classification: Uncertain significance for Hereditary cancer-predisposing syndrome. Last evaluated: 2019-12-05. Review status: criteria provided, single submitter. Criteria: Ambry Variant Classification Scheme 2023. Collection method: clinical testing. Allele origin: germline.
Comment: The p.A41T variant (also known as c.121G>A), located in coding exon 1 of the PRKAR1A gene, results from a G to A substitution at nucleotide position 121. The alanine at codon 41 is replaced by threonine, an amino acid with similar properties. This amino acid position is not well conserved in available vertebrate species. In addition, this alteration is predicted to be tolerated by in silico analysis. Since supporting evidence is limited at this time, the clinical significance of this alteration remains unclear.